The following is an entry in ClinVar:

NM_003468.4(FZD5):c.1319_1325del (p.Thr440fs)

Gene: FZD5 (frizzled class receptor 5; minus strand). Cytogenetic location: 2q33.3.
Variant type: Deletion.
Coding change: c.1319_1325del on transcript NM_003468.4 (MANE Select); coding-DNA positions 1319 to 1325, 7 bases deleted (CGGACAA; older notation c.1319_1325delCGGACAA).
Protein change: p.Thr440fs; shifts the reading frame from threonine 440.
Molecular consequence: frameshift variant.
Genome position (GRCh38, 1-based): chr2:207,767,415-207,767,421, TTGTCCG deleted on the plus strand (CGGACAA on the coding strand, the reverse complement: FZD5 is on the minus strand); deleting any 7 consecutive bases within chr2:207,767,415-207,767,422 gives the same sequence; the c. name uses the placement nearest the transcript's 3' end. VCF-style (leftmost placement, unchanged base first): chr2-207767414-CTTGTCCG-C. GRCh37 (hg19) VCF-style: chr2-208632138-CTTGTCCG-C.
Other names: short protein forms T440fs.
Identifiers: ClinVar variation 2502017 (VCV002502017.1), dbSNP rs2470338063, ClinGen allele CA2580616662.

ClinVar aggregate classification (germline): Uncertain significance (1 of 4 stars; one submission).

Submission:

GeneDx
Classification: Uncertain significance. Last evaluated: 2022-11-09. Review status: criteria provided, single submitter. Criteria: GeneDx Variant Classification Process June 2021. Collection method: clinical testing. Allele origin: germline. Affected: yes.
Comment: Not observed at significant frequency in large population cohorts (gnomAD); Frameshift variant predicted to result in protein truncation as the last 146 amino acids are replaced with 5 different amino acids, although loss-of-function variants have not been reported downstream of this position in the protein; Has not been previously published as pathogenic or benign to our knowledge